The following is an entry in ClinVar:

ClinVar aggregate classification (germline): Pathogenic (1 of 4 stars; one submission).

Conditions:
Hereditary cancer-predisposing syndrome. Also called: Tumor predisposition; Hereditary Cancer Syndrome; Neoplastic Syndromes, Hereditary; Hereditary neoplastic syndrome. Identifiers: Orphanet 140162, MedGen C0027672, MeSH D009386, MONDO:0015356.

Submission:

Molecular Diagnostics Laboratory, Catalan Institute of Oncology
Classification: Pathogenic for Hereditary cancer-predisposing syndrome. Last evaluated: 2024-09-26. Review status: criteria provided, single submitter. Criteria: ClinGen ACMG Specifications APC V1.0.0. Collection method: clinical testing. Allele origin: germline.
Comment: PVS1, PM2_Supporting, PP1_Moderate c.1262_1263delinsAA, located in exon 10 of the APC gene, consists in the deletion of 2 nucleotides from position 1262 to 1263 and the insertion of AA, causing the insertion of a stop codon expected to result in loss of function by premature protein truncation between codons 49 and 2645, p.(Trp421*) (PVS1). It is not present in the population database nomAD v2.1.1, non cancer dataset (PM2_supporting). To our knowledge functional studies have not been reported for this variant. This variant has been reported in the LOVD database (1x pathogenic), but it has not been reported in ClinVar database. Based on currently available information, the variant c.1262_1263delinsAA should be considered a pathogenic variant.

NM_000038.6(APC):c.1262_1263delinsAA (p.Trp421Ter)

Gene: APC (APC regulator of Wnt signaling pathway; plus strand). Cytogenetic location: 5q22.2.
Variant type: Indel.
Coding change: c.1262_1263delinsAA on transcript NM_000038.6 (MANE Select); coding-DNA positions 1262 to 1263, GG replaced by AA.
Protein change: p.Trp421Ter; replaces tryptophan 421 with a stop codon.
Molecular consequence: nonsense. On other transcripts: non-coding transcript variant (2).
Genome position (GRCh38, 1-based): chr5:112,819,294-112,819,295, GG replaced by AA. VCF-style: chr5-112819294-GG-AA. GRCh37 (hg19) VCF-style: chr5-112154991-GG-AA.
Other names: c.1262_1263delinsAA, p.Trp421Ter (NM_001127510.3, NM_001354895.2, NM_001354896.2 and 4 more transcripts); c.1208_1209delinsAA, p.Trp403Ter (NM_001127511.3); c.1292_1293delinsAA, p.Trp431Ter (NM_001354897.2, NM_001407446.1); c.1187_1188delinsAA, p.Trp396Ter (NM_001354898.2, NM_001407451.1); c.1178_1179delinsAA, p.Trp393Ter (NM_001354899.2, NM_001407452.1); c.1085_1086delinsAA, p.Trp362Ter (NM_001354900.2, NM_001354901.2, NM_001407453.1); c.989_990delinsAA, p.Trp330Ter (NM_001354902.2); c.959_960delinsAA, p.Trp320Ter (NM_001354903.2, NM_001407454.1, NM_001407455.1 and 5 more transcripts); and 5 more; short protein forms W138*, W261*, W292*, W295*, W320*, W330*, W362*, W37*.
Identifiers: ClinVar variation 3774439 (VCV003774439.1).